The following is an entry in ClinVar:

ClinVar aggregate classification (germline): Uncertain significance (1 of 4 stars; one submission).

Allele frequency attached by ClinVar (database versions not stated): gnomAD 0.00001; TOPMed below 0.00001.

Submission:

Labcorp Genetics (formerly Invitae), Labcorp
Classification: Uncertain significance. Last evaluated: 2023-09-06. Review status: criteria provided, single submitter. Criteria: Invitae Variant Classification Sherloc (09022015). Collection method: clinical testing. Allele origin: germline.
Comment: This variant has not been reported in the literature in individuals affected with CLCN7-related conditions. This variant is not present in population databases (gnomAD no frequency). This sequence change replaces tryptophan, which is neutral and slightly polar, with glycine, which is neutral and non-polar, at codon 10 of the CLCN7 protein (p.Trp10Gly). In summary, the available evidence is currently insufficient to determine the role of this variant in disease. Therefore, it has been classified as a Variant of Uncertain Significance. An algorithm developed to predict the effect of missense changes on protein structure and function (PolyPhen-2) suggests that this variant is likely to be disruptive.

NM_001287.6(CLCN7):c.28T>G (p.Trp10Gly)

Genes: CLCN7 (chloride voltage-gated channel 7; minus strand), LOC130058166 (ATAC-STARR-seq lymphoblastoid silent region 6986; plus strand). Cytogenetic location: 16p13.3.
Variant type: single nucleotide variant.
Coding change: c.28T>G on transcript NM_001287.6 (MANE Select); coding-DNA position 28, T replaced by G.
Protein change: p.Trp10Gly; replaces tryptophan 10 with glycine.
Molecular consequence: missense variant.
Genome position (GRCh38, 1-based): chr16:1,474,947, A>C on the plus strand (T>G on the coding strand, the complement: CLCN7 is on the minus strand). VCF-style: chr16-1474947-A-C. GRCh37 (hg19) VCF-style: chr16-1524948-A-C.
Other names: c.28T>G, p.Trp10Gly (NM_001114331.3); short protein forms W10G.
Identifiers: ClinVar variation 2768365 (VCV002768365.3), dbSNP rs2039131309, ClinGen allele CA394194262.